The following is an entry in ClinVar:

NM_182641.4(BPTF):c.229CCG[8] (p.Pro82_Ala83insProPro)

Gene: BPTF (bromodomain PHD finger transcription factor; plus strand). Cytogenetic location: 17q24.2.
Variant type: Microsatellite.
Coding change: c.229CCG[8] on transcript NM_182641.4 (MANE Select); eight copies in a row of the 3-base unit CCG starting at c.229; the reference has six copies in a row; two copies, 6 bases duplicated.
Protein change: p.Pro82_Ala83insProPro.
Molecular consequence: inframe insertion.
Genome position (GRCh38, 1-based): chr17:67,825,965-67,825,970, CCGCCG duplicated; duplicating any 6 consecutive bases within chr17:67,825,952-67,825,970 gives the same sequence; the position shown is the placement nearest the transcript's 3' end. VCF-style (leftmost placement, unchanged base first): chr17-67825951-A-AGCCGCC. GRCh37 (hg19) VCF-style: chr17-65822067-A-AGCCGCC.
Other names: c.229CCG[8], p.Pro82_Ala83insProPro (NM_004459.7).
Identifiers: ClinVar variation 1974389 (VCV001974389.5), dbSNP rs955533308, ClinGen allele CA627315515.

ClinVar aggregate classification (germline): Uncertain significance (1 of 4 stars; one submission).

Submission:

Labcorp Genetics (formerly Invitae), Labcorp
Classification: Uncertain significance. Last evaluated: 2022-08-28. Review status: criteria provided, single submitter. Criteria: Invitae Variant Classification Sherloc (09022015). Collection method: clinical testing. Allele origin: germline.
Comment: This variant has not been reported in the literature in individuals affected with BPTF-related conditions. In summary, the available evidence is currently insufficient to determine the role of this variant in disease. Therefore, it has been classified as a Variant of Uncertain Significance. This variant is present in population databases (no rsID available, gnomAD 0.02%). This variant, c.241_246dup, results in the insertion of 2 amino acid(s) of the BPTF protein (p.Pro81_Pro82dup), but otherwise preserves the integrity of the reading frame.